The following is an entry in ClinVar:

ClinVar aggregate classification (germline): Likely benign. Review status: criteria provided, multiple submitters, no conflicts (2 of 4 stars). 3 submissions from 3 submitters: Likely benign (2). 1 of the submissions does not count toward it. Last evaluated 2024-09-01.

Conditions:
DST-related disorder. Also called: DST-related condition; DST-related disorders.
Hereditary sensory and autonomic neuropathy type 6. Also called: Neuropathy, hereditary sensory and autonomic, type VI; HSAN VI. Identifiers: Orphanet 314381, MedGen C3539003, MONDO:0013839, OMIM 614653.
Epidermolysis bullosa simplex 3, localized or generalized intermediate, with BP230 deficiency (EBS3). Also called: Epidermolysis bullosa simplex due to BP230 deficiency; Epidermolysis bullosa simplex, autosomal recessive 2. Identifiers: Orphanet 412181, MedGen C3809470, MONDO:0014180, OMIM 615425.

Allele frequency attached by ClinVar (database versions not stated): gnomAD exomes 0.00010 and 0.00003; ExAC 0.00012; 1000 Genomes Project 30x 0.00031; ESP Exome Variant Server 0.00031; gnomAD 0.00032 and 0.00034; TOPMed 0.00037; 1000 Genomes Project 0.00040.
gnomAD v4.1: 103 of 1,614,064 alleles (0.0064%); highest among the groups gnomAD compares: African/African-American, 0.11%; no homozygotes.

Submissions (3):

CeGaT Center for Human Genetics Tuebingen
Classification: Likely benign. Last evaluated: 2024-09-01. Review status: criteria provided, single submitter. Criteria: CeGaT Center For Human Genetics Tuebingen Variant Classification Criteria Version 2. Collection method: clinical testing. Allele origin: germline. Affected: yes. Observed: 1 variant allele.
Comment: DST: BP4, BP7

Labcorp Genetics (formerly Invitae), Labcorp
Classification: Likely benign for Epidermolysis bullosa simplex 3, localized or generalized intermediate, with BP230 deficiency; Hereditary sensory and autonomic neuropathy type 6. Last evaluated: 2024-02-07. Review status: criteria provided, single submitter. Criteria: Invitae Variant Classification Sherloc (09022015). Collection method: clinical testing. Allele origin: germline.

PreventionGenetics, part of Exact Sciences
Classification: Likely benign for DST-related condition. Last evaluated: 2023-12-26. Review status: no assertion criteria provided. Collection method: clinical testing. Allele origin: germline. Not counted in ClinVar's aggregate classification.
Comment: This variant is classified as likely benign based on ACMG/AMP sequence variant interpretation guidelines (Richards et al. 2015 PMID: 25741868, with internal and published modifications).

NM_001723.7(DST):c.5091C>T (p.Arg1697=)

Gene: DST (dystonin; minus strand). Cytogenetic location: 6p12.1.
Variant type: single nucleotide variant.
Coding change: c.5091C>T on transcript NM_001723.7 (MANE Plus Clinical); coding-DNA position 5091, C replaced by T.
Protein change: p.Arg1697=; no amino-acid change (arginine 1697 retained).
Molecular consequence: synonymous variant. On other transcripts: intron variant (10).
Genome position (GRCh38, 1-based): chr6:56,618,943, G>A on the plus strand (C>T on the coding strand, the complement: DST is on the minus strand). VCF-style: chr6-56618943-G-A. GRCh37 (hg19) VCF-style: chr6-56483741-G-A.
Other names: c.4831-4459C>T (NM_001144769.5); c.4930-4459C>T (NM_001374722.1, NM_001374736.1); c.4957-4459C>T (NM_001374734.1); c.4417-4459C>T (NM_001144770.2); c.4297-4459C>T (NM_001374730.1, NM_001386100.1, NM_183380.4 and 1 more transcripts); c.3319-4459C>T (NM_015548.5).
Identifiers: ClinVar variation 703633 (VCV000703633.30), dbSNP rs144113067, ClinGen allele CA3870419.